The following is an entry in ClinVar:

ClinVar aggregate classification (germline): Uncertain significance (1 of 4 stars; one submission).

gnomAD v4.1: 2 of 1,613,908 alleles (0.00012%); highest among the groups gnomAD compares: Non-Finnish European, 0.00017%; no homozygotes.

Submission:

Labcorp Genetics (formerly Invitae), Labcorp
Classification: Uncertain significance. Last evaluated: 2022-09-02. Review status: criteria provided, single submitter. Criteria: Invitae Variant Classification Sherloc (09022015). Collection method: clinical testing. Allele origin: germline.
Comment: In summary, the available evidence is currently insufficient to determine the role of this variant in disease. Therefore, it has been classified as a Variant of Uncertain Significance. Algorithms developed to predict the effect of missense changes on protein structure and function are either unavailable or do not agree on the potential impact of this missense change (SIFT: "Deleterious"; PolyPhen-2: "Benign"; Align-GVGD: "Class C0"). This variant has not been reported in the literature in individuals affected with TENM3-related conditions. This variant is not present in population databases (gnomAD no frequency). This sequence change replaces proline, which is neutral and non-polar, with histidine, which is basic and polar, at codon 854 of the TENM3 protein (p.Pro854His).

NM_001080477.4(TENM3):c.2561C>A (p.Pro854His)

Gene: TENM3 (teneurin transmembrane protein 3; plus strand). Cytogenetic location: 4q35.1.
Variant type: single nucleotide variant.
Coding change: c.2561C>A on transcript NM_001080477.4 (MANE Select); coding-DNA position 2561, C replaced by A.
Protein change: p.Pro854His; replaces proline 854 with histidine.
Molecular consequence: missense variant.
Genome position (GRCh38, 1-based): chr4:182,729,157, C>A. VCF-style: chr4-182729157-C-A. GRCh37 (hg19) VCF-style: chr4-183650310-C-A.
Other names: c.1772C>A, p.Pro591His (NM_001415960.1); c.1745C>A, p.Pro582His (NM_001415961.1, NM_001415962.1, NM_001415963.1 and 1 more transcripts); c.2282C>A, p.Pro761His (NM_001415966.1, NM_001415967.1, NM_001415976.1 and 1 more transcripts); c.2561C>A, p.Pro854His (NM_001415968.1, NM_001415969.1, NM_001415970.1 and 4 more transcripts); short protein forms P854H, P591H, P761H, P582H.
Identifiers: ClinVar variation 1949166 (VCV001949166.5), dbSNP rs2531518334, ClinGen allele CA358833618.
Genomic context (GRCh38, chr4:182,729,157, plus strand): 5'-CCAAATCCTTTTATGATCGAATCAGTTTCCTTATAGGATCTGATAGCACCCATGTTATAC[C>A]TGGAGAAAGTCCTTTCAATAAGAGGTTAATGCTTCTTTTCCATATGTAGATTTGTAATGA-3'
Protein context (NP_001073946.1, residues 844-864): LIGSDSTHVI[Pro854His]GESPFNKSLA